The following is an entry in ClinVar:

ClinVar aggregate classification (germline): Uncertain significance (1 of 4 stars; one submission).

Conditions:
Neurofibromatosis, type 1 (NF1). Also called: Neurofibromatosis, type I; VON RECKLINGHAUSEN DISEASE; NEUROFIBROMATOSIS, TYPE I, SOMATIC; Peripheral type neurofibromatosis. Identifiers: Orphanet 636, MedGen C0027831, MONDO:0018975, OMIM 162200. Disease mechanism: loss of function.

Submission:

Labcorp Genetics (formerly Invitae), Labcorp
Classification: Uncertain significance for Neurofibromatosis, type 1. Last evaluated: 2021-03-14. Review status: criteria provided, single submitter. Criteria: Invitae Variant Classification Sherloc (09022015). Collection method: clinical testing. Allele origin: germline.
Comment: This variant has not been reported in the literature in individuals with NF1-related conditions. This variant is not present in population databases (ExAC no frequency). This sequence change replaces isoleucine with phenylalanine at codon 377 of the NF1 protein (p.Ile377Phe). The isoleucine residue is moderately conserved and there is a small physicochemical difference between isoleucine and phenylalanine. Advanced modeling of protein sequence and biophysical properties (such as structural, functional, and spatial information, amino acid conservation, physicochemical variation, residue mobility, and thermodynamic stability) performed at Invitae indicates that this missense variant is expected to disrupt NF1 protein function. In summary, the available evidence is currently insufficient to determine the role of this variant in disease. Therefore, it has been classified as a Variant of Uncertain Significance.

NM_001042492.3(NF1):c.1129A>T (p.Ile377Phe)

Gene: NF1 (neurofibromin 1; plus strand). Cytogenetic location: 17q11.2.
Variant type: single nucleotide variant.
Coding change: c.1129A>T on transcript NM_001042492.3 (MANE Select); coding-DNA position 1129, A replaced by T.
Protein change: p.Ile377Phe; replaces isoleucine 377 with phenylalanine.
Molecular consequence: missense variant.
Genome position (GRCh38, 1-based): chr17:31,201,103, A>T. VCF-style: chr17-31201103-A-T. GRCh37 (hg19) VCF-style: chr17-29528121-A-T.
Other names: c.1129A>T, p.Ile377Phe (NM_000267.4, NM_001128147.3); short protein forms I377F.
Identifiers: ClinVar variation 1474099 (VCV001474099.8), dbSNP rs2143879598, ClinGen allele CA398997012.